The following is an entry in ClinVar:

ClinVar aggregate classification (germline): Uncertain significance (1 of 4 stars; one submission).

Conditions:
SOS1-related disorder. Also called: SOS1-related condition.

Allele frequency attached by ClinVar (database versions not stated): TOPMed below 0.00001.

Submission:

PreventionGenetics, part of Exact Sciences
Classification: Uncertain significance for SOS1-related condition. Last evaluated: 2022-10-18. Review status: criteria provided, single submitter. Criteria: ACMG Guidelines, 2015. Collection method: clinical testing. Allele origin: germline.
Comment: The SOS1 c.613G>A variant is predicted to result in the amino acid substitution p.Val205Ile. To our knowledge, this variant has not been reported in the literature or in a large population database, indicating this variant is rare. At this time, the clinical significance of this variant is uncertain due to the absence of conclusive functional and genetic evidence.

NM_005633.4(SOS1):c.613G>A (p.Val205Ile)

Gene: SOS1 (SOS Ras/Rac guanine nucleotide exchange factor 1; minus strand). Cytogenetic location: 2p22.1.
Variant type: single nucleotide variant.
Coding change: c.613G>A on transcript NM_005633.4 (MANE Select); coding-DNA position 613, G replaced by A.
Protein change: p.Val205Ile; replaces valine 205 with isoleucine.
Molecular consequence: missense variant.
Genome position (GRCh38, 1-based): chr2:39,054,721, C>T on the plus strand (G>A on the coding strand, the complement: SOS1 is on the minus strand). VCF-style: chr2-39054721-C-T. GRCh37 (hg19) VCF-style: chr2-39281862-C-T.
Other names: c.592G>A, p.Val198Ile (NM_001382394.1); c.613G>A, p.Val205Ile (NM_001382395.1); short protein forms V198I, V205I.
Identifiers: ClinVar variation 2637243 (VCV002637243.1), dbSNP rs1341328808, ClinGen allele CA346373138.